The following is an entry in ClinVar:

NM_006329.4(FBLN5):c.*329T>C

Gene: FBLN5 (fibulin 5; minus strand). Cytogenetic location: 14q32.12.
Variant type: single nucleotide variant.
Coding change: c.*329T>C on transcript NM_006329.4 (MANE Select); 329 bases downstream of the stop codon, T replaced by C.
Molecular consequence: 3 prime UTR variant.
Genome position (GRCh38, 1-based): chr14:91,869,895, A>G on the plus strand (T>C on the coding strand, the complement: FBLN5 is on the minus strand). VCF-style: chr14-91869895-A-G. GRCh37 (hg19) VCF-style: chr14-92336239-A-G.
Other names: c.*329T>C (NM_001384158.1, NM_001384159.1, NM_001384162.1); c.*460T>C (NM_001384160.1, NM_001384161.1).
Identifiers: ClinVar variation 314868 (VCV000314868.6), dbSNP rs115237925, ClinGen allele CA10641273.

ClinVar aggregate classification (germline): Benign. Review status: criteria provided, multiple submitters, no conflicts (2 of 4 stars). 3 submissions from 2 submitters: Benign (3). Last evaluated 2018-01-13.

Conditions:
Cutis laxa. Identifiers: Orphanet 209, MedGen C0010495, MONDO:0016175, HP:0000973.
Macular degeneration, age-related, 3 (ARMD3). Identifiers: Orphanet 280598, MedGen C1837187, MONDO:0012145, OMIM 608895.

Allele frequency attached by ClinVar (database versions not stated): gnomAD 0.01197 and 0.01392; TOPMed 0.01326; gnomAD exomes 0.01829; 1000 Genomes Project 0.03175; 1000 Genomes Project 30x 0.03186.
gnomAD v4.1: 5,928 of 365,374 alleles (1.6%); highest among the groups gnomAD compares: South Asian, 7.6%; 211 homozygotes.

Submissions (3):

Illumina Laboratory Services, Illumina
Classification: Benign for Cutis laxa. Last evaluated: 2018-01-13. Review status: criteria provided, single submitter. Criteria: ICSL Variant Classification Criteria 13 December 2019. Collection method: clinical testing. Allele origin: germline.
Comment: This variant was observed in the ICSL laboratory as part of a predisposition screen in an ostensibly healthy population. It had not been previously curated by ICSL or reported in the Human Gene Mutation Database (HGMD: prior to June 1st, 2018), and was therefore a candidate for classification through an automated scoring system. Utilizing variant allele frequency, disease prevalence and penetrance estimates, and inheritance mode, an automated score was calculated to assess if this variant is too frequent to cause the disease. Based on the score and internal cut-off values, a variant classified as benign is not then subjected to further curation. The score for this variant resulted in a classification of benign for this disease.

Illumina Laboratory Services, Illumina
Classification: Benign for Macular degeneration, age-related, 3. Last evaluated: 2018-01-13. Review status: criteria provided, single submitter. Criteria: ICSL Variant Classification Criteria 13 December 2019. Collection method: clinical testing. Allele origin: germline.
Comment: the same text as in the submission from Illumina Laboratory Services, Illumina above.

Breakthrough Genomics
Classification: Benign. Review status: criteria provided, single submitter. Criteria: ACMG Guidelines, 2015. Collection method: not provided. Allele origin: germline. Inheritance: Autosomal recessive inheritance. Affected: yes.